The following is an entry in ClinVar:

ClinVar aggregate classification (germline): Likely benign (1 of 4 stars; one submission).

Conditions:
MANBA-related disorder. Also called: MANBA-related condition.

gnomAD v4.1: 2 of 1,611,688 alleles (0.00012%); highest among the groups gnomAD compares: African/African-American, 0.0027%; no homozygotes.

Submission:

PreventionGenetics, part of Exact Sciences
Classification: Likely benign for MANBA-related condition. Last evaluated: 2026-06-28. Review status: criteria provided, single submitter. Criteria: ACMG Guidelines, 2015. Collection method: clinical testing. Allele origin: germline.
Comment: This variant is classified as likely benign based on ACMG/AMP sequence variant interpretation guidelines (Richards et al. 2015 PMID: 25741868, with internal and published modifications).

NM_005908.4(MANBA):c.900G>T (p.Gly300=)

Gene: MANBA (mannosidase beta; minus strand). Cytogenetic location: 4q24.
Variant type: single nucleotide variant.
Coding change: c.900G>T on transcript NM_005908.4 (MANE Select); coding-DNA position 900, G replaced by T.
Protein change: p.Gly300=; no amino-acid change (glycine 300 retained).
Molecular consequence: synonymous variant.
Genome position (GRCh38, 1-based): chr4:102,689,634, C>A on the plus strand (G>T on the coding strand, the complement: MANBA is on the minus strand). VCF-style: chr4-102689634-C-A. GRCh37 (hg19) VCF-style: chr4-103610791-C-A.
Identifiers: ClinVar variation 4978589 (VCV004978589.1).